The following is an entry in ClinVar:

NC_000001.10:g.(?_216260041)_(216262501_?)del

Gene: USH2A (usherin; minus strand). Cytogenetic location: 1q41.
Variant type: Deletion.
Identifiers: ClinVar variation 1076630 (VCV001076630.6).

ClinVar aggregate classification (germline): Pathogenic (1 of 4 stars; one submission).

Submission:

Labcorp Genetics (formerly Invitae), Labcorp
Classification: Pathogenic. Last evaluated: 2023-06-05. Review status: criteria provided, single submitter. Criteria: Invitae Variant Classification Sherloc (09022015). Collection method: clinical testing. Allele origin: germline.
Comment: For these reasons, this variant has been classified as Pathogenic. This variant has not been reported in the literature in individuals affected with USH2A-related conditions. This variant is a gross deletion of the genomic region encompassing exon(s) 23-24 of the USH2A gene. This deletion is out-of-frame, and is expected to create a premature termination codon and result in an absent or disrupted protein product. Loss-of-function variants in USH2A are known to be pathogenic (PMID: 10729113, 10909849, 20507924, 25649381).

Literature cited by the submitters: PubMed 10729113; PubMed 10909849; PubMed 20507924; PubMed 25649381.